The following is an entry in ClinVar:

ClinVar aggregate classification (germline): Uncertain significance (1 of 4 stars; one submission).

Submission:

CeGaT Center for Human Genetics Tuebingen
Classification: Uncertain significance. Last evaluated: 2026-07-01. Review status: criteria provided, single submitter. Criteria: CeGaT Center For Human Genetics Tuebingen Variant Classification Criteria Version 2. Collection method: clinical testing. Allele origin: germline. Affected: yes. Observed: 1 variant allele.
Comment: SLC20A2: PM2, PP2, PP3

NM_001257180.2(SLC20A2):c.1511G>A (p.Gly504Asp)

Gene: SLC20A2 (solute carrier family 20 member 2; minus strand). Cytogenetic location: 8p11.21.
Variant type: single nucleotide variant.
Coding change: c.1511G>A on transcript NM_001257180.2 (MANE Select); coding-DNA position 1511, G replaced by A.
Protein change: p.Gly504Asp; replaces glycine 504 with aspartic acid.
Molecular consequence: missense variant.
Genome position (GRCh38, 1-based): chr8:42,437,001, C>T on the plus strand (G>A on the coding strand, the complement: SLC20A2 is on the minus strand). VCF-style: chr8-42437001-C-T. GRCh37 (hg19) VCF-style: chr8-42294519-C-T.
Other names: c.1511G>A, p.Gly504Asp (NM_001257181.2, NM_006749.5); short protein forms G504D.
Identifiers: ClinVar variation 5040001 (VCV005040001.1).